The following is an entry in ClinVar:

ClinVar aggregate classification (germline): Pathogenic/Likely pathogenic. Review status: criteria provided, multiple submitters, no conflicts (2 of 4 stars). 2 submissions from 2 submitters: Pathogenic (1); Likely pathogenic (1). Last evaluated 2024-02-29.

Conditions:
Retinitis pigmentosa 49 (RP49). Identifiers: Orphanet 791, MedGen C3151059, MONDO:0013405, OMIM 613756.

Allele frequency attached by ClinVar (database versions not stated): gnomAD exomes below 0.00001; ExAC 0.00001.
gnomAD v4.1: 4 of 1,608,096 alleles (0.00025%); highest among the groups gnomAD compares: Admixed American, 0.005%; no homozygotes.

Submissions (2):

Fulgent Genetics
Classification: Likely pathogenic for Retinitis pigmentosa 49. Last evaluated: 2024-02-29. Review status: criteria provided, single submitter. Criteria: ACMG Guidelines, 2015. Collection method: clinical testing. Allele origin: germline.

Labcorp Genetics (formerly Invitae), Labcorp
Classification: Pathogenic. Last evaluated: 2023-07-31. Review status: criteria provided, single submitter. Criteria: Invitae Variant Classification Sherloc (09022015). Collection method: clinical testing. Allele origin: germline.
Comment: Algorithms developed to predict the effect of sequence changes on RNA splicing suggest that this variant may disrupt the consensus splice site. ClinVar contains an entry for this variant (Variation ID: 2015100). This variant has not been reported in the literature in individuals affected with CNGA1-related conditions. This variant is present in population databases (rs777235692, gnomAD 0.006%). This sequence change creates a premature translational stop signal (p.Trp180*) in the CNGA1 gene. It is expected to result in an absent or disrupted protein product. Loss-of-function variants in CNGA1 are known to be pathogenic (PMID: 7479749, 25268133). For these reasons, this variant has been classified as Pathogenic.

Literature cited by the submitters: PubMed 7479749 (cited by Labcorp Genetics (formerly Invitae), Labcorp); PubMed 25268133 (cited by Labcorp Genetics (formerly Invitae), Labcorp).

NM_001379270.1(CNGA1):c.527G>A (p.Trp176Ter)

Genes: CNGA1 (cyclic nucleotide gated channel subunit alpha 1; minus strand), LOC101927157 (uncharacterized LOC101927157; plus strand). Cytogenetic location: 4p12.
Variant type: single nucleotide variant.
Coding change: c.527G>A on transcript NM_001379270.1 (MANE Select); coding-DNA position 527, G replaced by A.
Protein change: p.Trp176Ter; replaces tryptophan 176 with a stop codon.
Molecular consequence: nonsense.
Genome position (GRCh38, 1-based): chr4:47,942,059, C>T on the plus strand (G>A on the coding strand, the complement: CNGA1 is on the minus strand). VCF-style: chr4-47942059-C-T. GRCh37 (hg19) VCF-style: chr4-47944076-C-T.
Other names: c.527G>A, p.Trp176Ter (NM_000087.5, NM_001142564.2); c.539G>A, p.Trp180Ter (NM_001375386.1); short protein forms W176*, W180*.
Identifiers: ClinVar variation 2015100 (VCV002015100.5), dbSNP rs777235692, ClinGen allele CA2911264.